The following is an entry in ClinVar:

ClinVar aggregate classification (germline): Uncertain significance. Review status: criteria provided, multiple submitters, no conflicts (2 of 4 stars). 2 submissions from 2 submitters: Uncertain significance (2). Last evaluated 2026-07-23.

Conditions:
DNAH14-related disorder. Also called: DNAH14-related condition.

Allele frequency attached by ClinVar (database versions not stated): gnomAD exomes below 0.00001; gnomAD 0.00003.
gnomAD v4.1: 6 of 1,604,188 alleles (0.00037%); highest among the groups gnomAD compares: Admixed American, 0.0086%; no homozygotes.

Submissions (2):

PreventionGenetics, part of Exact Sciences
Classification: Uncertain significance for DNAH14-related condition. Last evaluated: 2026-07-23. Review status: criteria provided, single submitter. Criteria: ACMG Guidelines, 2015. Collection method: clinical testing. Allele origin: germline.
Comment: The DNAH14 c.610T>A variant is predicted to result in the amino acid substitution p.Cys204Ser. To our knowledge, this variant has not been reported in the literature or in a large population database (gnomAD), indicating this variant is rare. At this time, the clinical significance of this variant is uncertain due to the absence of conclusive functional and genetic evidence.

GeneDx
Classification: Uncertain significance. Last evaluated: 2026-06-26. Review status: criteria provided, single submitter. Criteria: GeneDx Variant Classification Process June 2021. Collection method: clinical testing. Allele origin: germline.
Comment: Not observed at significant frequency in large population cohorts (gnomAD); In silico analysis supports that this missense variant has a deleterious effect on protein structure/function; Has not been previously published as pathogenic or benign to our knowledge

NM_001367479.1(DNAH14):c.610T>A (p.Cys204Ser)

Gene: DNAH14 (dynein axonemal heavy chain 14; plus strand). Cytogenetic location: 1q42.12.
Variant type: single nucleotide variant.
Coding change: c.610T>A on transcript NM_001367479.1 (MANE Select); coding-DNA position 610, T replaced by A.
Protein change: p.Cys204Ser; replaces cysteine 204 with serine.
Molecular consequence: missense variant. On other transcripts: intron variant (1).
Genome position (GRCh38, 1-based): chr1:224,967,542, T>A. VCF-style: chr1-224967542-T-A. GRCh37 (hg19) VCF-style: chr1-225155244-T-A.
Other names: NM_001373.1:c.610T>A; c.610T>A, p.Cys204Ser (NM_001145154.3, NM_001367481.1, NM_144989.3); c.460T>A, p.Cys154Ser (NM_001349912.2); c.582+28T>A (NM_001349911.2); short protein forms C154S, C204S.
Identifiers: ClinVar variation 2577682 (VCV002577682.3), dbSNP rs199814205, ClinGen allele CA39011554.